The following is an entry in ClinVar:

NM_001080421.3(UNC13A):c.3482G>A (p.Arg1161Gln)

Gene: UNC13A (unc-13 homolog A; minus strand). Cytogenetic location: 19p13.11.
Variant type: single nucleotide variant.
Coding change: c.3482G>A on transcript NM_001080421.3 (MANE Select); coding-DNA position 3482, G replaced by A.
Protein change: p.Arg1161Gln; replaces arginine 1161 with glutamine.
Molecular consequence: missense variant.
Genome position (GRCh38, 1-based): chr19:17,630,697, C>T on the plus strand (G>A on the coding strand, the complement: UNC13A is on the minus strand). VCF-style: chr19-17630697-C-T. GRCh37 (hg19) VCF-style: chr19-17741506-C-T.
Other names: c.3476G>A, p.Arg1159Gln (NM_001387021.1, NM_001387022.1, NM_001387023.1); short protein forms R1159Q, R1161Q.
Identifiers: ClinVar variation 3465933 (VCV003465933.11).

ClinVar aggregate classification (germline): Uncertain significance. Review status: criteria provided, multiple submitters, no conflicts (2 of 4 stars). 2 submissions from 2 submitters: Uncertain significance (2). Last evaluated 2025-04-01.

gnomAD v4.1: 19 of 1,613,736 alleles (0.0012%); highest among the groups gnomAD compares: East Asian, 0.0022%; no homozygotes.

Submissions (2):

CeGaT Center for Human Genetics Tuebingen
Classification: Uncertain significance. Last evaluated: 2025-04-01. Review status: criteria provided, single submitter. Criteria: CeGaT Center For Human Genetics Tuebingen Variant Classification Criteria Version 2. Collection method: clinical testing. Allele origin: germline. Affected: yes. Observed: 1 variant allele.
Comment: UNC13A: PM2

Ambry Genetics
Classification: Uncertain significance. Last evaluated: 2024-12-04. Review status: criteria provided, single submitter. Criteria: Ambry Variant Classification Scheme 2023. Collection method: clinical testing. Allele origin: germline.